The following is an entry in ClinVar:

ClinVar aggregate classification (germline): Conflicting classifications of pathogenicity. Review status: criteria provided, conflicting classifications (1 of 4 stars). 6 submissions from 6 submitters: Likely pathogenic (1); Uncertain significance (5). Last evaluated 2024-12-30.

Conditions:
Cardiovascular phenotype. Identifiers: MedGen CN230736.
Long QT syndrome (LQTS). Identifiers: MedGen C0023976, MeSH D008133, MONDO:0002442. Disease mechanism: loss of function. Inheritance: Various modes of inheritance.
Cardiac arrhythmia. Also called: Cardiac rhythm disease; Arrhythmia. Identifiers: MedGen C0003811, MONDO:0007263, HP:0011675.

Allele frequency attached by ClinVar (database versions not stated): TOPMed 0.00003; gnomAD 0.00001; gnomAD exomes below 0.00001.
gnomAD v4.1: 3 of 1,613,882 alleles (0.00019%); highest among the groups gnomAD compares: African/African-American, 0.0027%; no homozygotes.

Submissions (6):

Ambry Genetics
Classification: Uncertain significance for Cardiovascular phenotype. Last evaluated: 2024-12-30. Review status: criteria provided, single submitter. Criteria: Ambry Variant Classification Scheme 2023. Collection method: clinical testing. Allele origin: germline.
Comment: The p.E146G variant (also known as c.437A>G), located in coding exon 2 of the KCNQ1 gene, results from an A to G substitution at nucleotide position 437. The glutamic acid at codon 146 is replaced by glycine, an amino acid with similar properties. This alteration was reported in an individual who experienced exercise induced sudden cardiac arrest and was diagnosed with long QT syndrome (Sandhu A et al. Clin Case Rep, 2015 Dec;3:971-4). This amino acid position is highly conserved in available vertebrate species. In addition, this alteration is predicted to be deleterious by in silico analysis. Since supporting evidence is limited at this time, the clinical significance of this alteration remains unclear.

Labcorp Genetics (formerly Invitae), Labcorp
Classification: Likely pathogenic for Long QT syndrome. Last evaluated: 2024-05-06. Review status: criteria provided, single submitter. Criteria: Invitae Variant Classification Sherloc (09022015). Collection method: clinical testing. Allele origin: germline.
Comment: This sequence change replaces glutamic acid, which is acidic and polar, with glycine, which is neutral and non-polar, at codon 146 of the KCNQ1 protein (p.Glu146Gly). This variant is present in population databases (no rsID available, gnomAD 0.003%). This missense change has been observed in individuals with long QT syndrome (PMID: 26734131, 32009526). This variant is also known as c.56A>G (p.Glu19Gly). ClinVar contains an entry for this variant (Variation ID: 418272). Advanced modeling of protein sequence and biophysical properties (such as structural, functional, and spatial information, amino acid conservation, physicochemical variation, residue mobility, and thermodynamic stability) performed at Invitae indicates that this missense variant is expected to disrupt KCNQ1 protein function with a positive predictive value of 95%. This variant disrupts the p.Glu146 amino acid residue in KCNQ1. Other variant(s) that disrupt this residue have been observed in individuals with KCNQ1-related conditions (Invitae), which suggests that this may be a clinically significant amino acid residue. In summary, the currently available evidence indicates that the variant is pathogenic, but additional data are needed to prove that conclusively. Therefore, this variant has been classified as Likely Pathogenic.

Color Diagnostics, LLC DBA Color Health
Classification: Uncertain significance for Cardiac arrhythmia. Last evaluated: 2024-04-15. Review status: criteria provided, single submitter. Criteria: ACMG Guidelines, 2015. Collection method: clinical testing. Allele origin: germline.
Comment: This missense variant replaces glutamic acid with glycine at codon 146 of the KCNQ1 protein. Computational prediction suggests that this variant may have deleterious impact on protein structure and function. This variant is found within a highly conserved extracellular linker region. Rare nontruncating variants in this region have been shown to be significantly overrepresented in individuals with long QT syndrome (PMID: 32893267). This variant has been reported in an individual affected with long QT syndrome and in another individual with prolonged QT interval (PMID: 26734131, 32009526). This variant has been identified in 1/251426 chromosomes in the general population by the Genome Aggregation Database (gnomAD). The available evidence is insufficient to determine the role of this variant in disease conclusively. Therefore, this variant is classified as a Variant of Uncertain Significance.

All of Us Research Program, National Institutes of Health
Classification: Uncertain significance for Long QT syndrome. Last evaluated: 2023-06-28. Review status: criteria provided, single submitter. Criteria: ACMG Guidelines, 2015. Collection method: clinical testing. Allele origin: germline. Inheritance: Autosomal dominant inheritance. Observed: 1 variant allele, 1 heterozygote.
Comment: This study involves interpretation of variants in research participants for the purpose of population health screening. Participant phenotype was not available at the time of variant classification. Additional details can be found in publication PMID: 35346344, PMCID: PMC8962531

GeneDx
Classification: Uncertain significance. Last evaluated: 2022-06-07. Review status: criteria provided, single submitter. Criteria: GeneDx Variant Classification Process June 2021. Collection method: clinical testing. Allele origin: germline. Affected: yes.
Comment: Not observed at a significant frequency in large population cohorts (gnomAD); In silico analysis, which includes protein predictors and evolutionary conservation, supports a deleterious effect; Functional studies suggest that this variant has a peak current density and Tdeact parameters close to the wild type (Phul et al., 2022); This variant is associated with the following publications: (PMID: 32009526, 35442947, 26734131)

Broad Center for Mendelian Genomics, Broad Institute of MIT and Harvard
Classification: Uncertain significance. Last evaluated: 2020-01-22. Review status: criteria provided, single submitter. Criteria: ACMG Guidelines, 2015. Collection method: curation. Allele origin: germline.
Comment: The p.Glu146Gly variant in KCNQ1 has not been previously reported in individuals with Long QT Syndrome but has also been reported likely pathogenic in ClinVar by GeneDx (Variation ID: 418272). This variant has been identified in 0.003266% (1/30616) of South Asian chromosomes by the Genome Aggregation Database (gnomAD; dbSNP rs914460959). Although this variant has been seen in the general population, its frequency is low enough to be consistent with a dominant frequency for a disease with clinical variability. Please note that for diseases with clinical variability, or reduced penetrance, pathogenic variants may be present at a low frequency in the general population. Computational prediction tools and conservation analyses do not provide strong support for or against an impact to the protein. One additional variant, resulting in a different amino acid change at the same position, p.Glu146Lys, has been reported in at least one individual with Long QT Syndrome in the literature and ClinVar (PMID: 16414944; Variation ID: 53043). In summary, the clinical significance of the p.Glu146Gly variant is uncertain. ACMG/AMP Criteria applied: PM2 (Richards 2015).

Literature cited by the submitters: PubMed 26734131 (cited by 3 submitters); PubMed 32009526 (cited by 3 submitters); PubMed 32893267 (cited by Color Diagnostics, LLC DBA Color Health).

NM_000218.3(KCNQ1):c.437A>G (p.Glu146Gly)

Gene: KCNQ1 (potassium voltage-gated channel subfamily Q member 1; plus strand). Cytogenetic location: 11p15.5.
Variant type: single nucleotide variant.
Coding change: c.437A>G on transcript NM_000218.3 (MANE Select); coding-DNA position 437, A replaced by G.
Protein change: p.Glu146Gly; replaces glutamic acid 146 with glycine.
Molecular consequence: missense variant.
Genome position (GRCh38, 1-based): chr11:2,527,978, A>G. VCF-style: chr11-2527978-A-G. GRCh37 (hg19) VCF-style: chr11-2549208-A-G.
Other names: c.437A>G (NM_000218.2); c.437A>G, p.Glu146Gly (NM_001406836.1, NM_001406838.1); c.167A>G, p.Glu56Gly (NM_001406837.1); c.56A>G, p.Glu19Gly (NM_181798.2); short protein forms E146G, E19G, E56G.
Identifiers: ClinVar variation 418272 (VCV000418272.24), dbSNP rs914460959, ClinGen allele CA16619306.